The following is an entry in ClinVar:

NM_001358921.2(COQ2):c.556G>C (p.Ala186Pro)

Gene: COQ2 (coenzyme Q2, polyprenyltransferase; minus strand). Cytogenetic location: 4q21.23.
Variant type: single nucleotide variant.
Coding change: c.556G>C on transcript NM_001358921.2 (MANE Select); coding-DNA position 556, G replaced by C.
Protein change: p.Ala186Pro; replaces alanine 186 with proline.
Molecular consequence: missense variant.
Genome position (GRCh38, 1-based): chr4:83,272,159, C>G on the plus strand (G>C on the coding strand, the complement: COQ2 is on the minus strand). VCF-style: chr4-83272159-C-G. GRCh37 (hg19) VCF-style: chr4-84193312-C-G.
Other names: c.706G>C, p.Ala236Pro (NM_015697.9); short protein forms A186P, A236P.
Identifiers: ClinVar variation 4702706 (VCV004702706.1).

ClinVar aggregate classification (germline): Uncertain significance (1 of 4 stars; one submission).

gnomAD v4.1: 1 of 1,608,562 alleles (0.000062%); highest among the groups gnomAD compares: Non-Finnish European, 0.000085%; no homozygotes.

Submission:

Labcorp Genetics (formerly Invitae), Labcorp
Classification: Uncertain significance. Last evaluated: 2025-12-11. Review status: criteria provided, single submitter. Criteria: Invitae Variant Classification Sherloc (09022015). Collection method: clinical testing. Allele origin: germline.
Comment: This sequence change replaces alanine, which is neutral and non-polar, with proline, which is neutral and non-polar, at codon 236 of the COQ2 protein (p.Ala236Pro). This variant is not present in population databases (gnomAD no frequency). This variant has not been reported in the literature in individuals affected with COQ2-related conditions. Invitae Evidence Modeling of protein sequence and biophysical properties (such as structural, functional, and spatial information, amino acid conservation, physicochemical variation, residue mobility, and thermodynamic stability) indicates that this missense variant is not expected to disrupt COQ2 protein function with a negative predictive value of 80%. In summary, the available evidence is currently insufficient to determine the role of this variant in disease. Therefore, it has been classified as a Variant of Uncertain Significance.